The following is an entry in ClinVar:

ClinVar aggregate classification (germline): Uncertain significance (1 of 4 stars; one submission).

gnomAD v4.1: 1 of 1,613,690 alleles (0.000062%); highest among the groups gnomAD compares: Non-Finnish European, 0.000085%; no homozygotes.

Submission:

CeGaT Center for Human Genetics Tuebingen
Classification: Uncertain significance. Last evaluated: 2022-08-01. Review status: criteria provided, single submitter. Criteria: CeGaT Center For Human Genetics Tuebingen Variant Classification Criteria Version 2. Collection method: clinical testing. Allele origin: germline. Affected: yes. Observed: 1 variant allele.
Comment: SPNS2: PM2

NM_001124758.3(SPNS2):c.1301C>G (p.Thr434Arg)

Gene: SPNS2 (SPNS lysolipid transporter 2, sphingosine-1-phosphate; plus strand). Cytogenetic location: 17p13.2.
Variant type: single nucleotide variant.
Coding change: c.1301C>G on transcript NM_001124758.3 (MANE Select); coding-DNA position 1301, C replaced by G.
Protein change: p.Thr434Arg; replaces threonine 434 with arginine.
Molecular consequence: missense variant.
Genome position (GRCh38, 1-based): chr17:4,533,810, C>G. VCF-style: chr17-4533810-C-G. GRCh37 (hg19) VCF-style: chr17-4437105-C-G.
Other names: short protein forms T434R.
Identifiers: ClinVar variation 1711423 (VCV001711423.30), dbSNP rs367840472, ClinGen allele CA397236770.